The following is an entry in ClinVar:

NM_170675.5(MEIS2):c.635A>G (p.Asp212Gly)

Gene: MEIS2 (Meis homeobox 2; minus strand). Cytogenetic location: 15q14.
Variant type: single nucleotide variant.
Coding change: c.635A>G on transcript NM_170675.5 (MANE Select); coding-DNA position 635, A replaced by G.
Protein change: p.Asp212Gly; replaces aspartic acid 212 with glycine.
Molecular consequence: missense variant. On other transcripts: non-coding transcript variant (1).
Genome position (GRCh38, 1-based): chr15:37,093,585, T>C on the plus strand (A>G on the coding strand, the complement: MEIS2 is on the minus strand). VCF-style: chr15-37093585-T-C. GRCh37 (hg19) VCF-style: chr15-37385786-T-C.
Other names: c.635A>G, p.Asp212Gly (NM_001220482.2, NM_170674.5, NM_170676.5 and 1 more transcripts); c.596A>G, p.Asp199Gly (NM_002399.4, NM_172315.3); c.371A>G, p.Asp124Gly (NM_172316.3); short protein forms D124G, D199G, D212G.
Identifiers: ClinVar variation 3369904 (VCV003369904.1).

ClinVar aggregate classification (germline): Uncertain significance (1 of 4 stars; one submission).

Submission:

GeneDx
Classification: Uncertain significance. Last evaluated: 2024-02-29. Review status: criteria provided, single submitter. Criteria: GeneDx Variant Classification Process June 2021. Collection method: clinical testing. Allele origin: germline. Affected: yes.
Comment: Not observed at significant frequency in large population cohorts (gnomAD); In silico analysis supports that this missense variant has a deleterious effect on protein structure/function; Has not been previously published as pathogenic or benign to our knowledge